The following is an entry in ClinVar:

NM_133478.3(SLC4A5):c.2916+254C>T

Gene: SLC4A5 (solute carrier family 4 member 5; minus strand). Cytogenetic location: 2p13.1.
Variant type: single nucleotide variant.
Coding change: c.2916+254C>T on transcript NM_133478.3 (MANE Select); 254 bases into the intron after coding-DNA position 2916, C replaced by T.
Molecular consequence: intron variant. On other transcripts: synonymous variant (1).
Genome position (GRCh38, 1-based): chr2:74,227,556, G>A on the plus strand (C>T on the coding strand, the complement: SLC4A5 is on the minus strand). VCF-style: chr2-74227556-G-A. GRCh37 (hg19) VCF-style: chr2-74454683-G-A.
Other names: c.2925C>T, p.Thr975= (NM_021196.3); c.2568+254C>T (NM_001386136.1).
Identifiers: ClinVar variation 3058831 (VCV003058831.2), dbSNP rs142137764, ClinGen allele CA1720290.

ClinVar aggregate classification (germline): Likely benign (0 of 4 stars; one submission).

Conditions:
SLC4A5-related disorder. Also called: SLC4A5-related condition.

Allele frequency attached by ClinVar (database versions not stated): gnomAD 0.00023; gnomAD exomes 0.00029; ESP Exome Variant Server 0.00031; TOPMed 0.00031; 1000 Genomes Project 0.00040; 1000 Genomes Project 30x 0.00047; ExAC 0.00048.
gnomAD v4.1: 447 of 1,610,936 alleles (0.028%); highest among the groups gnomAD compares: East Asian, 0.25%; 2 homozygotes.

Submission:

PreventionGenetics, part of Exact Sciences
Classification: Likely benign for SLC4A5-related condition. Last evaluated: 2019-03-22. Review status: no assertion criteria provided. Collection method: clinical testing. Allele origin: germline.
Comment: This variant is classified as likely benign based on ACMG/AMP sequence variant interpretation guidelines (Richards et al. 2015 PMID: 25741868, with internal and published modifications).